The following is an entry in ClinVar:

ClinVar aggregate classification (germline): Pathogenic (1 of 4 stars; one submission).

Submission:

ISCA Site 6
Classification: Pathogenic. Last evaluated: 2011-08-12. Review status: criteria provided, single submitter. Criteria: Kaminsky et al. (Genet Med. 2011). Collection method: clinical testing. Allele origin: de novo. Affected: yes. Observed: 1 variant allele.
Comment: Copy number variation identified through the course of routine clinical cytogenomic testing in postnatal populations. Clinical assertions have been curated as described in Kaminsky et al. 2011.

GRCh38/hg38 16p13.3(chr16:6327243-7195429)x1

Genes: RBFOX1 (RNA binding fox-1 homolog 1; plus strand), LOC126862276 (BRD4-independent group 4 enhancer GRCh37_chr16:7231546-7232745; plus strand), LOC126862277 (P300/CBP strongly-dependent group 1 enhancer GRCh37_chr16:7234679-7235878; plus strand), LOC129390761 (MPRA-validated peak2485 silencer; plus strand). Cytogenetic location: 16p13.3.
Variant type: copy number loss.
Change: copy number 1 (one copy instead of two) of chr16:6,327,243-7,195,429 (868.2 kb, GRCh38 coordinates, 1-based), cytogenetic band 16p13.3.
Identifiers: ClinVar variation 59462 (VCV000059462.3).